The following is an entry in ClinVar:

ClinVar aggregate classification (germline): Uncertain significance (1 of 4 stars; one submission).

Conditions:
AIMP2-related disorder. Also called: AIMP2-related condition.

Submission:

PreventionGenetics, part of Exact Sciences
Classification: Uncertain significance for AIMP2-related condition. Last evaluated: 2025-08-22. Review status: criteria provided, single submitter. Criteria: ACMG Guidelines, 2015. Collection method: clinical testing. Allele origin: germline.
Comment: The AIMP2 c.360delA variant is predicted to result in a frameshift and premature protein termination (p.Asp121Thrfs*3). To our knowledge, this variant has not been reported in the literature or in a large population database (gnomAD), indicating this variant is rare. Although we suspect that this variant may be pathogenic, at this time, the clinical significance of this variant is uncertain due to the absence of conclusive functional and genetic evidence.

NM_006303.4(AIMP2):c.360del (p.Asp121fs)

Gene: AIMP2 (aminoacyl tRNA synthetase complex interacting multifunctional protein 2; plus strand). Cytogenetic location: 7p22.1.
Variant type: Deletion.
Coding change: c.360del on transcript NM_006303.4 (MANE Select); coding-DNA position 360, one base deleted (A; older notation c.360delA).
Protein change: p.Asp121fs; shifts the reading frame from aspartic acid 121.
Molecular consequence: frameshift variant.
Genome position (GRCh38, 1-based): chr7:6,017,831, A deleted; the last of 3 consecutive A bases (chr7:6,017,829-6,017,831); deleting any one gives the same sequence. VCF-style (leftmost placement, unchanged base first): chr7-6017828-GA-G. GRCh37 (hg19) VCF-style: chr7-6057459-GA-G.
Other names: c.240del, p.Asp81fs (NM_001326606.2); c.153del, p.Asp52fs (NM_001326607.2); c.126del, p.Asp43fs (NM_001326609.2, NM_001326610.2, NM_001326611.3); c.273del, p.Asp92fs (NM_001362785.2); c.228del, p.Asp77fs (NM_001362787.2); short protein forms D121fs, D43fs, D92fs, D52fs, D77fs, D81fs.
Identifiers: ClinVar variation 4996624 (VCV004996624.1).
Genomic context (GRCh38, chr7:6,017,828, plus strand): 5'-ACTCTCCGATGACTGTTATTCGTACATTGTCTTGGTCTTTCCCCAGGATTACGGGGCGCT[GA>G]AAGACATCGTGATCAACGCAAACCCGGCCTCCCCTCCCCTCTCCCTGCTTGTGCTGCACA-3'